The following is an entry in ClinVar:

ClinVar aggregate classification (germline): Conflicting classifications of pathogenicity. Review status: criteria provided, conflicting classifications (1 of 4 stars). 3 submissions from 3 submitters: Uncertain significance (1); Likely benign (1). 1 of the submissions does not count toward it. Last evaluated 2026-01-20.

Conditions:
Bilateral frontoparietal polymicrogyria. Also called: CORTICAL DYSPLASIA, COMPLEX, WITH OTHER BRAIN MALFORMATIONS 14A (BILATERAL FRONTOPARIETAL); CEREBELLAR ATAXIA WITH NEURONAL MIGRATION DEFECT. Identifiers: Orphanet 101070, MedGen C1847352, MONDO:0011738, OMIM 606854.

Allele frequency attached by ClinVar (database versions not stated): gnomAD below 0.00001 and 0.00002; TOPMed 0.00001; gnomAD exomes 0.00004 and 0.00012; 1000 Genomes Project 30x 0.00016; ExAC 0.00017; 1000 Genomes Project 0.00020.
gnomAD v4.1: 67 of 1,614,148 alleles (0.0042%); highest among the groups gnomAD compares: South Asian, 0.071%; 1 homozygote.

Submissions (3):

Labcorp Genetics (formerly Invitae), Labcorp
Classification: Likely benign. Last evaluated: 2026-01-20. Review status: criteria provided, single submitter. Criteria: Invitae Variant Classification Sherloc (09022015). Collection method: clinical testing. Allele origin: germline.

GeneDx
Classification: Uncertain significance. Last evaluated: 2021-01-12. Review status: criteria provided, single submitter. Criteria: GeneDx Variant Classification Process June 2021. Collection method: clinical testing. Allele origin: germline. Affected: yes.
Comment: In silico analysis supports that this missense variant has a deleterious effect on protein structure/function; Has not been previously published as pathogenic or benign to our knowledge

Natera, Inc.
Classification: Uncertain significance for Bilateral frontoparietal polymicrogyria. Last evaluated: 2020-02-13. Review status: no assertion criteria provided. Collection method: clinical testing. Allele origin: germline. Not counted in ClinVar's aggregate classification.

NM_201525.4(ADGRG1):c.412A>C (p.Thr138Pro)

Gene: ADGRG1 (adhesion G protein-coupled receptor G1; plus strand). Cytogenetic location: 16q21.
Variant type: single nucleotide variant.
Coding change: c.412A>C on transcript NM_201525.4 (MANE Select); coding-DNA position 412, A replaced by C.
Protein change: p.Thr138Pro; replaces threonine 138 with proline.
Molecular consequence: missense variant. On other transcripts: 5 prime UTR variant (5), intron variant (1).
Genome position (GRCh38, 1-based): chr16:57,651,547, A>C. VCF-style: chr16-57651547-A-C. GRCh37 (hg19) VCF-style: chr16-57685459-A-C.
Other names: c.412A>C, p.Thr138Pro (NM_001145770.3, NM_001145771.3, NM_001145772.3 and 16 more transcripts); c.427A>C, p.Thr143Pro (NM_001145773.3, NM_001370433.1); c.-114A>C (NM_001290143.2, NM_001290144.2, NM_001370451.1 and 2 more transcripts); c.256A>C, p.Thr86Pro (NM_001370442.1); c.110+302A>C (NM_001290142.2); short protein forms T138P, T143P, T86P.
Identifiers: ClinVar variation 764376 (VCV000764376.14), dbSNP rs560954695, ClinGen allele CA8078355.